The following is an entry in ClinVar:

ClinVar aggregate classification (germline): Uncertain significance. Review status: criteria provided, single submitter (1 of 4 stars). 2 submissions from 2 submitters: Uncertain significance (1). 1 of the submissions does not count toward it. Last evaluated 2019-12-05.

Conditions:
Sphingolipid activator protein 1 deficiency. Also called: METACHROMATIC LEUKODYSTROPHY DUE TO CEREBROSIDE SULFATASE ACTIVATOR DEFICIENCY; Saposin B Deficiency; Metachromatic leukodystrophy due to saposin B deficiency. Identifiers: Orphanet 512, MedGen C0268262, MONDO:0009590, OMIM 249900.
Metachromatic leukodystrophy (MLD). Also called: Cerebral sclerosis diffuse metachromatic form; ARSA DEFICIENCY; CEREBROSIDE SULFATASE DEFICIENCY; METACHROMATIC LEUKOENCEPHALOPATHY; Arylsulfatase A Deficiency; SULFATIDE LIPIDOSIS. Identifiers: Orphanet 512, MedGen C0023522, MONDO:0018868, OMIM 250100.

Allele frequency attached by ClinVar (database versions not stated): TOPMed 0.00005.

Submissions (2):

Labcorp Genetics (formerly Invitae), Labcorp
Classification: Uncertain significance for Sphingolipid activator protein 1 deficiency. Last evaluated: 2019-12-05. Review status: criteria provided, single submitter. Criteria: Invitae Variant Classification Sherloc (09022015). Collection method: clinical testing. Allele origin: germline.
Comment: This sequence change replaces glutamic acid with aspartic acid at codon 374 of the PSAP protein (p.Glu374Asp). The glutamic acid residue is weakly conserved and there is a small physicochemical difference between glutamic acid and aspartic acid. This variant is present in population databases (rs775169672, ExAC 0.002%). This variant has not been reported in the literature in individuals with PSAP-related conditions. Algorithms developed to predict the effect of missense changes on protein structure and function output the following: SIFT: "Not Available"; PolyPhen-2: "Benign"; Align-GVGD: "Not Available". The glutamic acid amino acid residue is found in multiple mammalian species, suggesting that this missense change does not adversely affect protein function. These predictions have not been confirmed by published functional studies and their clinical significance is uncertain. In summary, the available evidence is currently insufficient to determine the role of this variant in disease. Therefore, it has been classified as a Variant of Uncertain Significance.

Natera, Inc.
Classification: Uncertain significance for Metachromatic leukodystrophy. Last evaluated: 2021-01-12. Review status: no assertion criteria provided. Collection method: clinical testing. Allele origin: germline. Not counted in ClinVar's aggregate classification.

NM_002778.4(PSAP):c.1122G>C (p.Glu374Asp)

Gene: PSAP (prosaposin; minus strand). Cytogenetic location: 10q22.1.
Variant type: single nucleotide variant.
Coding change: c.1122G>C on transcript NM_002778.4 (MANE Select); coding-DNA position 1122, G replaced by C.
Protein change: p.Glu374Asp; replaces glutamic acid 374 with aspartic acid.
Molecular consequence: missense variant.
Genome position (GRCh38, 1-based): chr10:71,819,784, C>G on the plus strand (G>C on the coding strand, the complement: PSAP is on the minus strand). VCF-style: chr10-71819784-C-G. GRCh37 (hg19) VCF-style: chr10-73579541-C-G.
Other names: c.1131G>C, p.Glu377Asp (NM_001042465.3); c.1128G>C, p.Glu376Asp (NM_001042466.3); short protein forms E374D, E377D, E376D.
Identifiers: ClinVar variation 966285 (VCV000966285.2), dbSNP rs775169672, ClinGen allele CA5547477.